The following is an entry in ClinVar:

ClinVar aggregate classification (germline): Uncertain significance. Review status: criteria provided, multiple submitters, no conflicts (2 of 4 stars). 3 submissions from 3 submitters: Uncertain significance (3). Last evaluated 2025-08-18.

Conditions:
Cutis laxa, autosomal dominant 3 (ADCL3). Identifiers: Orphanet 90348, MedGen C4225268, MONDO:0014706, OMIM 616603.
Autosomal dominant spastic paraplegia type 9. Identifiers: MedGen C1832669, MONDO:0015091.
de Barsy syndrome. Also called: Cutis laxa-corneal clouding-oligophrenia syndrome. Identifiers: Orphanet 2962, MedGen C0268354, MONDO:0017569.
Inborn genetic diseases. Identifiers: MedGen C0950123, MeSH D030342.

Allele frequency attached by ClinVar (database versions not stated): gnomAD exomes 0.00001 and 0.00002; TOPMed 0.00001; gnomAD 0.00002.
gnomAD v4.1: 34 of 1,614,018 alleles (0.0021%); highest among the groups gnomAD compares: Non-Finnish European, 0.0027%; no homozygotes.

Submissions (3):

Labcorp Genetics (formerly Invitae), Labcorp
Classification: Uncertain significance for Autosomal dominant spastic paraplegia type 9; de Barsy syndrome; Cutis laxa, autosomal dominant 3. Last evaluated: 2025-08-18. Review status: criteria provided, single submitter. Criteria: Invitae Variant Classification Sherloc (09022015). Collection method: clinical testing. Allele origin: germline.
Comment: This sequence change replaces leucine, which is neutral and non-polar, with phenylalanine, which is neutral and non-polar, at codon 262 of the ALDH18A1 protein (p.Leu262Phe). This variant is present in population databases (no rsID available, gnomAD 0.002%). This variant has not been reported in the literature in individuals affected with ALDH18A1-related conditions. ClinVar contains an entry for this variant (Variation ID: 936015). Invitae Evidence Modeling of protein sequence and biophysical properties (such as structural, functional, and spatial information, amino acid conservation, physicochemical variation, residue mobility, and thermodynamic stability) has been performed for this missense variant. However, the output from this modeling did not meet the statistical confidence thresholds required to predict the impact of this variant on ALDH18A1 protein function. In summary, the available evidence is currently insufficient to determine the role of this variant in disease. Therefore, it has been classified as a Variant of Uncertain Significance.

Blueprint Genetics
Classification: Uncertain significance. Last evaluated: 2022-09-08. Review status: criteria provided, single submitter. Criteria: ACMG Guidelines, 2015. Collection method: clinical testing. Allele origin: germline.

Ambry Genetics
Classification: Uncertain significance for Inborn genetic diseases. Last evaluated: 2022-04-01. Review status: criteria provided, single submitter. Criteria: Ambry Variant Classification Scheme 2023. Collection method: clinical testing. Allele origin: germline.
Comment: The alteration results in an amino acid change:_x000D_ _x000D_ The c.786G>C (p.L262F) alteration is located in exon 7 (coding exon 6) of the ALDH18A1 gene. This alteration results from a G to C substitution at nucleotide position 786, causing the leucine (L) at amino acid position 262 to be replaced by a phenylalanine (F). Based on data from gnomAD, the C allele has an overall frequency of <0.01% (3/282688) total alleles studied. The highest observed frequency was <0.01% (3/129034) of European (non-Finnish) alleles. No homozygotes were reported in gnomAD. This amino acid position is highly conserved in available vertebrate species. This alteration is predicted to be tolerated by in silico analysis. Based on insufficient or conflicting evidence, the clinical significance of this alteration remains unclear.

NM_002860.4(ALDH18A1):c.786G>C (p.Leu262Phe)

Gene: ALDH18A1 (aldehyde dehydrogenase 18 family member A1; minus strand). Cytogenetic location: 10q24.1.
Variant type: single nucleotide variant.
Coding change: c.786G>C on transcript NM_002860.4 (MANE Select); coding-DNA position 786, G replaced by C.
Protein change: p.Leu262Phe; replaces leucine 262 with phenylalanine.
Molecular consequence: missense variant.
Genome position (GRCh38, 1-based): chr10:95,632,981, C>G on the plus strand (G>C on the coding strand, the complement: ALDH18A1 is on the minus strand). VCF-style: chr10-95632981-C-G. GRCh37 (hg19) VCF-style: chr10-97392738-C-G.
Other names: c.780G>C, p.Leu260Phe (NM_001017423.2, NM_001323415.2); c.453G>C, p.Leu151Phe (NM_001323412.2, NM_001323416.2); c.786G>C, p.Leu262Phe (NM_001323413.2, NM_001323414.2); c.681G>C, p.Leu227Phe (NM_001323417.2); c.447G>C, p.Leu149Phe (NM_001323418.2); c.150G>C, p.Leu50Phe (NM_001323419.2); short protein forms L227F, L260F, L262F, L149F, L151F, L50F.
Identifiers: ClinVar variation 936015 (VCV000936015.12), dbSNP rs1380580792, ClinGen allele CA377704920.